The following is an entry in ClinVar:

ClinVar aggregate classification (germline): Uncertain significance (1 of 4 stars; one submission).

Conditions:
Developmental and epileptic encephalopathy. Identifiers: MedGen C5779964, MONDO:0100620.

Allele frequency attached by ClinVar (database versions not stated): TOPMed 0.00001; gnomAD exomes 0.00001.
gnomAD v4.1: 8 of 1,612,894 alleles (0.0005%); highest among the groups gnomAD compares: Non-Finnish European, 0.00068%; no homozygotes.

Submission:

Victorian Clinical Genetics Services, Murdoch Childrens Research Institute
Classification: Uncertain significance for Developmental and epileptic encephalopathy. Last evaluated: 2020-05-26. Review status: criteria provided, single submitter. Criteria: ACMG Guidelines, 2015. Collection method: clinical testing. Allele origin: germline. Inheritance: Autosomal recessive inheritance.
Comment: Based on the classification scheme VCGS_Germline_v1.1.1, this variant is classified as 3B-VUS. Following criteria are met: 0105 - The mechanism of disease for this gene is not clearly established. (N) 0106 - This gene is known to be associated with autosomal recessive disease. (N) 0201 - Variant is predicted to cause nonsense-mediated decay (NMD) and loss of protein (exon 13 of 15). (P) 0251 - Variant is heterozygous. (N) 0304 - Variant is present in gnomAD <0.01 for a recessive condition (1 heterozygote, 0 homozygotes). (P) 0401 - Variant is located in a gene associated with a severe early-onset dominant condition that is intolerant to loss-of-function variants. (P) 0705 - No comparable variants have previous evidence for pathogenicity. (N) 0807 - Variant has not previously been reported in a clinical context. (N) 0905 - No segregation evidence has been identified for this variant. (N) 1007 - No published functional evidence has been identified for this variant. (N) 1208 - Inheritance information for this variant is not currently available. (N) Legend: (P) - Pathogenic, (N) - Neutral, (B) - Benign

NM_001382273.1(TNK2):c.3022C>T (p.Gln1008Ter)

Gene: TNK2 (tyrosine kinase non receptor 2; minus strand). Cytogenetic location: 3q29.
Variant type: single nucleotide variant.
Coding change: c.3022C>T on transcript NM_001382273.1 (MANE Select); coding-DNA position 3022, C replaced by T.
Protein change: p.Gln1008Ter; replaces glutamine 1008 with a stop codon.
Molecular consequence: nonsense. On other transcripts: non-coding transcript variant (15), intron variant (10).
Genome position (GRCh38, 1-based): chr3:195,867,180, G>A on the plus strand (C>T on the coding strand, the complement: TNK2 is on the minus strand). VCF-style: chr3-195867180-G-A. GRCh37 (hg19) VCF-style: chr3-195594051-G-A.
Other names: c.3073C>T, p.Gln1025Ter (NM_001382271.1); c.3094C>T, p.Gln1032Ter (NM_001382272.1); c.3022C>T, p.Gln1008Ter (NM_001382274.1); c.2977C>T, p.Gln993Ter (NM_001386164.1, NM_001387709.1, NM_001387710.1 and 2 more transcripts); c.3118C>T, p.Gln1040Ter (NM_001387707.1); c.3049C>T, p.Gln1017Ter (NM_001387708.1); c.2971C>T, p.Gln991Ter (NM_001387713.1, NM_001387714.1, NM_005781.5); c.2893-164C>T (NM_001387720.1, NM_001387721.1, NM_001387719.1); and 5 more; short protein forms Q1008*, Q1017*, Q1025*, Q1032*, Q1040*, Q991*, Q993*.
Identifiers: ClinVar variation 1805785 (VCV001805785.1), dbSNP rs1156671788, ClinGen allele CA355561917.